The following is an entry in ClinVar:

NM_000264.5(PTCH1):c.1114A>G (p.Met372Val)

Gene: PTCH1 (patched 1; minus strand). Cytogenetic location: 9q22.32.
Variant type: single nucleotide variant.
Coding change: c.1114A>G on transcript NM_000264.5 (MANE Select); coding-DNA position 1114, A replaced by G.
Protein change: p.Met372Val; replaces methionine 372 with valine.
Molecular consequence: missense variant. On other transcripts: non-coding transcript variant (1).
Genome position (GRCh38, 1-based): chr9:95,479,101, T>C on the plus strand (A>G on the coding strand, the complement: PTCH1 is on the minus strand). VCF-style: chr9-95479101-T-C. GRCh37 (hg19) VCF-style: chr9-98241383-T-C.
Other names: c.916A>G, p.Met306Val (NM_001083602.3); c.1111A>G, p.Met371Val (NM_001083603.3); c.661A>G, p.Met221Val (NM_001083604.3, NM_001083605.3, NM_001083606.3 and 1 more transcripts); c.1114A>G, p.Met372Val (NM_001354918.2); short protein forms M372V, M221V, M306V, M371V.
Identifiers: ClinVar variation 2845068 (VCV002845068.4), dbSNP rs2538217579, ClinGen allele CA374119439.

ClinVar aggregate classification (germline): Uncertain significance. Review status: criteria provided, multiple submitters, no conflicts (2 of 4 stars). 2 submissions from 2 submitters: Uncertain significance (2). Last evaluated 2026-04-16.

Conditions:
Hereditary cancer-predisposing syndrome. Also called: Hereditary neoplastic syndrome; Neoplastic Syndromes, Hereditary; Tumor predisposition; Hereditary Cancer Syndrome. Identifiers: Orphanet 140162, MedGen C0027672, MeSH D009386, MONDO:0015356.
Gorlin syndrome. Also called: Nevoid Basal Cell Carcinoma Syndrome; Basal cell nevus syndrome. Identifiers: Orphanet 377, MedGen C0004779, MONDO:0007187.

Submissions (2):

Ambry Genetics
Classification: Uncertain significance for Hereditary cancer-predisposing syndrome. Last evaluated: 2026-04-16. Review status: criteria provided, single submitter. Criteria: Ambry Variant Classification Scheme 2023. Collection method: clinical testing. Allele origin: germline.
Comment: The p.M372V variant (also known as c.1114A>G), located in coding exon 8 of the PTCH1 gene, results from an A to G substitution at nucleotide position 1114. The methionine at codon 372 is replaced by valine, an amino acid with highly similar properties. This amino acid position is conserved. In addition, this alteration is predicted to be deleterious by in silico analysis. Based on the available evidence, the clinical significance of this variant remains unclear.

Labcorp Genetics (formerly Invitae), Labcorp
Classification: Uncertain significance for Gorlin syndrome. Last evaluated: 2023-09-17. Review status: criteria provided, single submitter. Criteria: Invitae Variant Classification Sherloc (09022015). Collection method: clinical testing. Allele origin: germline.
Comment: This sequence change replaces methionine, which is neutral and non-polar, with valine, which is neutral and non-polar, at codon 372 of the PTCH1 protein (p.Met372Val). This variant is not present in population databases (gnomAD no frequency). This variant has not been reported in the literature in individuals affected with PTCH1-related conditions. Advanced modeling of protein sequence and biophysical properties (such as structural, functional, and spatial information, amino acid conservation, physicochemical variation, residue mobility, and thermodynamic stability) performed at Invitae indicates that this missense variant is not expected to disrupt PTCH1 protein function. In summary, the available evidence is currently insufficient to determine the role of this variant in disease. Therefore, it has been classified as a Variant of Uncertain Significance.